The following is an entry in ClinVar:

NM_021927.3(GUF1):c.1836-2A>G

Gene: GUF1 (GTP binding elongation factor GUF1; plus strand). Cytogenetic location: 4p12.
Variant type: single nucleotide variant.
Coding change: c.1836-2A>G on transcript NM_021927.3 (MANE Select); the canonical splice acceptor site of the intron before coding-DNA position 1836, A replaced by G.
Molecular consequence: splice acceptor variant.
Genome position (GRCh38, 1-based): chr4:44,697,406, A>G. VCF-style: chr4-44697406-A-G. GRCh37 (hg19) VCF-style: chr4-44699423-A-G.
Other names: c.1716-2A>G (NM_001345868.2); c.864-2A>G (NM_001345867.2, NM_001345869.2).
Identifiers: ClinVar variation 1505590 (VCV001505590.8), dbSNP rs1715896794, ClinGen allele CA356765167.

ClinVar aggregate classification (germline): Uncertain significance (1 of 4 stars; one submission).

Allele frequency attached by ClinVar (database versions not stated): gnomAD 0.00001; TOPMed 0.00001.
gnomAD v4.1: 7 of 1,554,240 alleles (0.00045%); highest among the groups gnomAD compares: East Asian, 0.007%; no homozygotes.

Submission:

Labcorp Genetics (formerly Invitae), Labcorp
Classification: Uncertain significance. Last evaluated: 2024-02-16. Review status: criteria provided, single submitter. Criteria: Invitae Variant Classification Sherloc (09022015). Collection method: clinical testing. Allele origin: germline.
Comment: This sequence change affects an acceptor splice site in intron 15 of the GUF1 gene. It is expected to disrupt RNA splicing. Variants that disrupt the donor or acceptor splice site typically lead to a loss of protein function (PMID: 16199547), however the current clinical and genetic evidence is not sufficient to establish whether loss-of-function variants in GUF1 cause disease. This variant is not present in population databases (gnomAD no frequency). This variant has not been reported in the literature in individuals affected with GUF1-related conditions. ClinVar contains an entry for this variant (Variation ID: 1505590). Algorithms developed to predict the effect of sequence changes on RNA splicing suggest that this variant may disrupt the consensus splice site. In summary, the available evidence is currently insufficient to determine the role of this variant in disease. Therefore, it has been classified as a Variant of Uncertain Significance.

Literature cited by the submitters: PubMed 16199547.